The following is an entry in ClinVar:

NM_004380.3(CREBBP):c.2064G>A (p.Pro688=)

Gene: CREBBP (CREB binding lysine acetyltransferase; minus strand). Cytogenetic location: 16p13.3.
Variant type: single nucleotide variant.
Coding change: c.2064G>A on transcript NM_004380.3 (MANE Select); coding-DNA position 2064, G replaced by A.
Protein change: p.Pro688=; no amino-acid change (proline 688 retained).
Molecular consequence: synonymous variant.
Genome position (GRCh38, 1-based): chr16:3,778,060, C>T on the plus strand (G>A on the coding strand, the complement: CREBBP is on the minus strand). VCF-style: chr16-3778060-C-T. GRCh37 (hg19) VCF-style: chr16-3828061-C-T.
Other names: c.1950G>A, p.Pro650= (NM_001079846.1).
Identifiers: ClinVar variation 730378 (VCV000730378.10), dbSNP rs766050154, ClinGen allele CA7870283.

ClinVar aggregate classification (germline): Likely benign. Review status: criteria provided, multiple submitters, no conflicts (2 of 4 stars). 3 submissions from 3 submitters: Likely benign (3). Last evaluated 2025-10-23.

Conditions:
Rubinstein-Taybi syndrome due to CREBBP mutations (RSTS1). Also called: BROAD THUMBS AND GREAT TOES, CHARACTERISTIC FACIES, AND IMPAIRED INTELLECTUAL DEVELOPMENT; CREBBP-Related Rubinstein-Taybi Syndrome; RUBINSTEIN SYNDROME; Rubinstein-Taybi syndrome 1; RUBINSTEIN-TAYBI SYNDROME 1, INCOMPLETE; BROAD THUMB-HALLUX SYNDROME. Identifiers: Orphanet 353277, Orphanet 783, MedGen C4551859, MONDO:0008393, OMIM 180849.
Menke-Hennekam syndrome 1 (MKHK1). Identifiers: MedGen C5193034, MONDO:0020763, OMIM 618332.
Rubinstein-Taybi syndrome (RSTS). Identifiers: Orphanet 783, MedGen C0035934, MONDO:0019188.
CREBBP-related disorder. Also called: CREBBP-related disorders; CREBBP-related condition.

Allele frequency attached by ClinVar (database versions not stated): gnomAD exomes 0.00001; ExAC 0.00002.
gnomAD v4.1: 18 of 1,614,218 alleles (0.0011%); highest among the groups gnomAD compares: Admixed American, 0.0017%; no homozygotes.

Submissions (3):

PreventionGenetics, part of Exact Sciences
Classification: Likely benign for CREBBP-related condition. Last evaluated: 2025-10-23. Review status: criteria provided, single submitter. Criteria: ACMG Guidelines, 2015. Collection method: clinical testing. Allele origin: germline.
Comment: This variant is classified as likely benign based on ACMG/AMP sequence variant interpretation guidelines (Richards et al. 2015 PMID: 25741868, with internal and published modifications).

Labcorp Genetics (formerly Invitae), Labcorp
Classification: Likely benign for Rubinstein-Taybi syndrome. Last evaluated: 2024-07-17. Review status: criteria provided, single submitter. Criteria: Invitae Variant Classification Sherloc (09022015). Collection method: clinical testing. Allele origin: germline.

Fulgent Genetics
Classification: Likely benign for Rubinstein-Taybi syndrome due to CREBBP mutations; Menke-Hennekam syndrome 1. Last evaluated: 2021-10-26. Review status: criteria provided, single submitter. Criteria: ACMG Guidelines, 2015. Collection method: clinical testing. Allele origin: unknown.